The following is an entry in ClinVar:

ClinVar aggregate classification (germline): Benign. Review status: criteria provided, multiple submitters, no conflicts (2 of 4 stars). 3 submissions from 3 submitters: Benign (2). 1 of the submissions does not count toward it. Last evaluated 2026-01-21.

Conditions:
BRD4-related disorder. Also called: BRD4-related condition.

Allele frequency attached by ClinVar (database versions not stated): gnomAD 0.00025; 1000 Genomes Project 0.00280.
gnomAD v4.1: 811 of 1,544,214 alleles (0.053%); highest among the groups gnomAD compares: South Asian, 0.91%; 9 homozygotes.

Submissions (3):

Labcorp Genetics (formerly Invitae), Labcorp
Classification: Benign. Last evaluated: 2026-01-21. Review status: criteria provided, single submitter. Criteria: Invitae Variant Classification Sherloc (09022015). Collection method: clinical testing. Allele origin: germline.

CeGaT Center for Human Genetics Tuebingen
Classification: Benign. Last evaluated: 2023-06-01. Review status: criteria provided, single submitter. Criteria: CeGaT Center For Human Genetics Tuebingen Variant Classification Criteria Version 2. Collection method: clinical testing. Allele origin: germline. Affected: yes. Observed: 1 variant allele.
Comment: BRD4: BS1, BS2

PreventionGenetics, part of Exact Sciences
Classification: Benign for BRD4-related condition. Last evaluated: 2019-07-29. Review status: no assertion criteria provided. Collection method: clinical testing. Allele origin: germline. Not counted in ClinVar's aggregate classification.
Comment: This variant is classified as benign based on ACMG/AMP sequence variant interpretation guidelines (Richards et al. 2015 PMID: 25741868, with internal and published modifications).

NM_001379291.1(BRD4):c.3061C>A (p.His1021Asn)

Gene: BRD4 (bromodomain containing 4; minus strand). Cytogenetic location: 19p13.12.
Variant type: single nucleotide variant.
Coding change: c.3061C>A on transcript NM_001379291.1 (MANE Select); coding-DNA position 3061, C replaced by A.
Protein change: p.His1021Asn; replaces histidine 1021 with asparagine.
Molecular consequence: missense variant.
Genome position (GRCh38, 1-based): chr19:15,243,008, G>T on the plus strand (C>A on the coding strand, the complement: BRD4 is on the minus strand). VCF-style: chr19-15243008-G-T. GRCh37 (hg19) VCF-style: chr19-15353819-G-T.
Other names: c.3061C>A (NM_058243.2); c.3061C>A, p.His1021Asn (NM_058243.3); short protein forms H1021N.
Identifiers: ClinVar variation 2175499 (VCV002175499.29), dbSNP rs577673376, ClinGen allele CA9264819.